The following is an entry in ClinVar:

ClinVar aggregate classification (germline): Uncertain significance (1 of 4 stars; one submission).

gnomAD v4.1: 2 of 1,612,814 alleles (0.00012%); highest among the groups gnomAD compares: Non-Finnish European, 0.00017%; no homozygotes.

Submission:

Labcorp Genetics (formerly Invitae), Labcorp
Classification: Uncertain significance. Last evaluated: 2025-05-04. Review status: criteria provided, single submitter. Criteria: Invitae Variant Classification Sherloc (09022015). Collection method: clinical testing. Allele origin: germline.
Comment: This sequence change replaces isoleucine, which is neutral and non-polar, with phenylalanine, which is neutral and non-polar, at codon 44 of the CFB protein (p.Ile44Phe). This variant is not present in population databases (gnomAD no frequency). This variant has not been reported in the literature in individuals affected with CFB-related conditions. Invitae Evidence Modeling of protein sequence and biophysical properties (such as structural, functional, and spatial information, amino acid conservation, physicochemical variation, residue mobility, and thermodynamic stability) indicates that this missense variant is expected to disrupt CFB protein function with a positive predictive value of 80%. In summary, the available evidence is currently insufficient to determine the role of this variant in disease. Therefore, it has been classified as a Variant of Uncertain Significance.

NM_001710.6(CFB):c.130A>T (p.Ile44Phe)

Gene: CFB (complement factor B; plus strand). Cytogenetic location: 6p21.33.
Variant type: single nucleotide variant.
Coding change: c.130A>T on transcript NM_001710.6 (MANE Select); coding-DNA position 130, A replaced by T.
Protein change: p.Ile44Phe; replaces isoleucine 44 with phenylalanine.
Molecular consequence: missense variant.
Genome position (GRCh38, 1-based): chr6:31,946,438, A>T. VCF-style: chr6-31946438-A-T. GRCh37 (hg19) VCF-style: chr6-31914215-A-T.
Other names: short protein forms I44F.
Identifiers: ClinVar variation 4751406 (VCV004751406.1).